The following is an entry in ClinVar:

NM_005219.5(DIAPH1):c.2041T>G (p.Leu681Val)

Gene: DIAPH1 (diaphanous related formin 1; minus strand). Cytogenetic location: 5q31.3.
Variant type: single nucleotide variant.
Coding change: c.2041T>G on transcript NM_005219.5 (MANE Select); coding-DNA position 2041, T replaced by G.
Protein change: p.Leu681Val; replaces leucine 681 with valine.
Molecular consequence: missense variant.
Genome position (GRCh38, 1-based): chr5:141,573,809, A>C on the plus strand (T>G on the coding strand, the complement: DIAPH1 is on the minus strand). VCF-style: chr5-141573809-A-C. GRCh37 (hg19) VCF-style: chr5-140953376-A-C.
Other names: c.2014T>G, p.Leu672Val (NM_001079812.3); c.2041T>G, p.Leu681Val (NM_001314007.2); short protein forms L672V, L681V.
Identifiers: ClinVar variation 3377512 (VCV003377512.1).

ClinVar aggregate classification (germline): Uncertain significance (1 of 4 stars; one submission).

Conditions:
Autosomal dominant nonsyndromic hearing loss 1. Also called: DEAFNESS, AUTOSOMAL DOMINANT 1, WITH OR WITHOUT THROMBOCYTOPENIA; KONIGSMARK SYNDROME. Identifiers: Orphanet 90635, MedGen C1852282, MONDO:0007424, OMIM 124900.

Submission:

Victorian Clinical Genetics Services, Murdoch Childrens Research Institute
Classification: Uncertain significance for Autosomal dominant nonsyndromic hearing loss 1. Last evaluated: 2022-06-24. Review status: criteria provided, single submitter. Criteria: ACMG Guidelines, 2015. Collection method: clinical testing. Allele origin: germline. Inheritance: Autosomal dominant inheritance. Affected: yes.
Comment: Based on the classification scheme VCGS_Germline_v1.3.4, this variant is classified as VUS-3A. Following criteria are met: 0103 - Gain of function and loss of function are known mechanisms of disease in this gene and are associated with autosomal dominant deafness 1 with or without thrombocytopenia (MIM#124900) and autosomal recessive seizures, cortical blindness, microcephaly syndrome (MIM#616632), respectively (PMID: 27808407). (I) 0108 - This gene is associated with both recessive and dominant disease (OMIM). (I) 0200 - Variant is predicted to result in a missense amino acid change from leucine to valine. (I) 0251 - This variant is heterozygous. (I) 0301 - Variant is absent from gnomAD (both v2 and v3). (SP) 0309 - An alternative amino acid change at the same position has been observed in gnomAD (v3) (2 heterozygotes, 0 homozygotes) however it did not pass gnomAD quality filter. (I) 0502 - Missense variant with conflicting in silico predictions and uninformative conservation. (I) 0600 - Variant is located in the annotated formin homology region 1 (NCBI). (I) 0705 - No comparable missense variants have previous evidence for pathogenicity. (I) 0807 - This variant has no previous evidence of pathogenicity. (I) 0905 - No published segregation evidence has been identified for this variant. (I) 1007 - No published functional evidence has been identified for this variant. (I) 1208 - Inheritance information for this variant is not currently available in this individual. (I) Legend: (SP) - Supporting pathogenic, (I) - Information, (SB) - Supporting benign

Literature cited by the submitters: PubMed 27808407.